The following is an entry in ClinVar:

ClinVar aggregate classification (germline): Uncertain significance (1 of 4 stars; one submission).

Allele frequency attached by ClinVar (database versions not stated): gnomAD exomes below 0.00001 and 0.00002; ExAC 0.00003.
gnomAD v4.1: 5 of 1,613,132 alleles (0.00031%); highest among the groups gnomAD compares: Non-Finnish European, 0.00042%; no homozygotes.

Submission:

Labcorp Genetics (formerly Invitae), Labcorp
Classification: Uncertain significance. Last evaluated: 2024-07-30. Review status: criteria provided, single submitter. Criteria: Invitae Variant Classification Sherloc (09022015). Collection method: clinical testing. Allele origin: germline.
Comment: This sequence change replaces proline, which is neutral and non-polar, with arginine, which is basic and polar, at codon 920 of the COL11A1 protein (p.Pro920Arg). This variant is present in population databases (rs751341336, gnomAD 0.004%). This variant has not been reported in the literature in individuals affected with COL11A1-related conditions. ClinVar contains an entry for this variant (Variation ID: 1019703). Advanced modeling of protein sequence and biophysical properties (such as structural, functional, and spatial information, amino acid conservation, physicochemical variation, residue mobility, and thermodynamic stability) performed at Invitae indicates that this missense variant is not expected to disrupt COL11A1 protein function with a negative predictive value of 80%. In summary, the available evidence is currently insufficient to determine the role of this variant in disease. Therefore, it has been classified as a Variant of Uncertain Significance.

NM_001854.4(COL11A1):c.2759C>G (p.Pro920Arg)

Gene: COL11A1 (collagen type XI alpha 1 chain; minus strand). Cytogenetic location: 1p21.1.
Variant type: single nucleotide variant.
Coding change: c.2759C>G on transcript NM_001854.4 (MANE Select); coding-DNA position 2759, C replaced by G.
Protein change: p.Pro920Arg; replaces proline 920 with arginine.
Molecular consequence: missense variant. On other transcripts: non-coding transcript variant (1).
Genome position (GRCh38, 1-based): chr1:102,974,879, G>C on the plus strand (C>G on the coding strand, the complement: COL11A1 is on the minus strand). VCF-style: chr1-102974879-G-C. GRCh37 (hg19) VCF-style: chr1-103440435-G-C.
Other names: c.2642C>G, p.Pro881Arg (NM_001190709.2); c.2795C>G, p.Pro932Arg (NM_080629.3); c.2411C>G, p.Pro804Arg (NM_080630.4); short protein forms P804R, P881R, P920R, P932R.
Identifiers: ClinVar variation 1019703 (VCV001019703.8), dbSNP rs751341336, ClinGen allele CA974274.